The following is an entry in ClinVar:

ClinVar aggregate classification (germline): Pathogenic (1 of 4 stars; one submission).

Conditions:
Hereditary nonpolyposis colorectal neoplasms. Identifiers: MedGen C0009405, MeSH D003123.

Submission:

Labcorp Genetics (formerly Invitae), Labcorp
Classification: Pathogenic for Hereditary nonpolyposis colorectal neoplasms. Last evaluated: 2021-10-14. Review status: criteria provided, single submitter. Criteria: Invitae Variant Classification Sherloc (09022015). Collection method: clinical testing. Allele origin: germline.
Comment: For these reasons, this variant has been classified as Pathogenic. This variant has not been reported in the literature in individuals affected with PMS2-related conditions. This variant is not present in population databases (ExAC no frequency). This sequence change creates a premature translational stop signal (p.Val31Glufs*20) in the PMS2 gene. It is expected to result in an absent or disrupted protein product. Loss-of-function variants in PMS2 are known to be pathogenic (PMID: 21376568, 24362816).

Literature cited by the submitters: PubMed 21376568; PubMed 24362816.

NM_000535.7(PMS2):c.92_99del (p.Val31fs)

Gene: PMS2 (PMS1 homolog 2, mismatch repair system component; minus strand). Cytogenetic location: 7p22.1.
Variant type: Deletion.
Coding change: c.92_99del on transcript NM_000535.7 (MANE Select); coding-DNA positions 92 to 99, 8 bases deleted (TGGTACTG; older notation c.92_99delTGGTACTG).
Protein change: p.Val31fs; shifts the reading frame from valine 31.
Molecular consequence: frameshift variant. On other transcripts: 5 prime UTR variant (8), non-coding transcript variant (1), intron variant (3).
Genome position (GRCh38, 1-based): chr7:6,005,956-6,005,963, CAGTACCA deleted on the plus strand (TGGTACTG on the coding strand, the reverse complement: PMS2 is on the minus strand); deleting any 8 consecutive bases within chr7:6,005,956-6,005,964 gives the same sequence; the c. name uses the placement nearest the transcript's 3' end. VCF-style (leftmost placement, unchanged base first): chr7-6005955-TCAGTACCA-T. GRCh37 (hg19) VCF-style: chr7-6045586-TCAGTACCA-T.
Other names: c.-314_-307del (NM_001322003.2, NM_001322005.2, NM_001322009.2 and 1 more transcripts); c.92_99del, p.Val31fs (NM_001322006.2, NM_001322014.2); c.-124_-117del (NM_001322007.2); c.-793_-786del (NM_001322011.2, NM_001322012.2); c.-393_-386del (NM_001322015.2); c.-52-1905_-52-1898del (NM_001322008.2); c.-242-1905_-242-1898del (NM_001322010.2, NM_001322004.2); short protein forms V31fs.
Identifiers: ClinVar variation 1408521 (VCV001408521.6), dbSNP rs2128845440, ClinGen allele CA2573141947.
Genomic context (GRCh38, chr7:6,005,955, plus strand): 5'-TATTAGTGGCACCAGCATCCAGACTGTTTTCTACTAACTCCTTTACCGCAGTGCTTAGAC[TCAGTACCA>T]CCTGCCCAGAGCAAATCTGATGGACTGACTTCCGATCAATAGGTTTGATGGCCTTAGCAG-3'